The following is an entry in ClinVar:

ClinVar aggregate classification (germline): Pathogenic. Review status: criteria provided, multiple submitters, no conflicts (2 of 4 stars). 2 submissions from 2 submitters: Pathogenic (2). Last evaluated 2019-09-11.

Conditions:
Usher syndrome type 2A. Also called: USHER SYNDROME, TYPE IIA; RETINAL DISEASE IN USHER SYNDROME TYPE IIA, MODIFIER OF. Identifiers: Orphanet 231178, Orphanet 886, MedGen C1848634, MONDO:0010169, OMIM 276901.

Submissions (2):

Labcorp Genetics (formerly Invitae), Labcorp
Classification: Pathogenic. Last evaluated: 2019-09-11. Review status: criteria provided, single submitter. Criteria: Invitae Variant Classification Sherloc (09022015). Collection method: clinical testing. Allele origin: germline.
Comment: For these reasons, this variant has been classified as Pathogenic. Loss-of-function variants in USH2A are known to be pathogenic (PMID: 10729113, 10909849, 20507924, 25649381). This variant has not been reported in the literature in individuals with USH2A-related conditions. This variant is not present in population databases (ExAC no frequency). This sequence change creates a premature translational stop signal (p.Tyr4669*) in the USH2A gene. It is expected to result in an absent or disrupted protein product.

Kariminejad - Najmabadi Pathology & Genetics Center
Classification: Pathogenic for Usher syndrome type 2A. Review status: criteria provided, single submitter. Criteria: ACMG Guidelines, 2015. Collection method: clinical testing. Allele origin: germline. Affected: no.

Literature cited by the submitters: PubMed 10729113 (cited by Labcorp Genetics (formerly Invitae), Labcorp); PubMed 10909849 (cited by Labcorp Genetics (formerly Invitae), Labcorp); PubMed 20507924 (cited by Labcorp Genetics (formerly Invitae), Labcorp); PubMed 25649381 (cited by Labcorp Genetics (formerly Invitae), Labcorp).

NM_206933.4(USH2A):c.14007T>A (p.Tyr4669Ter)

Gene: USH2A (usherin; minus strand). Cytogenetic location: 1q41.
Variant type: single nucleotide variant.
Coding change: c.14007T>A on transcript NM_206933.4 (MANE Select); coding-DNA position 14007, T replaced by A.
Protein change: p.Tyr4669Ter; replaces tyrosine 4669 with a stop codon.
Molecular consequence: nonsense.
Genome position (GRCh38, 1-based): chr1:215,671,098, A>T on the plus strand (T>A on the coding strand, the complement: USH2A is on the minus strand). VCF-style: chr1-215671098-A-T. GRCh37 (hg19) VCF-style: chr1-215844440-A-T.
Other names: short protein forms Y4669*.
Identifiers: ClinVar variation 955871 (VCV000955871.8), dbSNP rs1657800056, ClinGen allele CA344840692.